The following is an entry in ClinVar:

ClinVar aggregate classification (germline): Conflicting classifications of pathogenicity. Review status: criteria provided, conflicting classifications (1 of 4 stars). 2 submissions from 2 submitters: Uncertain significance (1); Likely benign (1). Last evaluated 2024-01-22.

Conditions:
Combined immunodeficiency due to LRBA deficiency. Also called: Common variable immunodeficiency 8, with autoimmunity. Identifiers: Orphanet 445018, MedGen C3553512, MONDO:0013863, OMIM 614700.

Allele frequency attached by ClinVar (database versions not stated): gnomAD 0.00001.
gnomAD v4.1: 3 of 1,575,834 alleles (0.00019%); highest among the groups gnomAD compares: Admixed American, 0.005%; no homozygotes.

Submissions (2):

Blueprint Genetics
Classification: Likely benign. Last evaluated: 2024-01-22. Review status: criteria provided, single submitter. Criteria: ACMG Guidelines, 2015. Collection method: clinical testing. Allele origin: germline.

Labcorp Genetics (formerly Invitae), Labcorp
Classification: Uncertain significance for Combined immunodeficiency due to LRBA deficiency. Last evaluated: 2022-02-05. Review status: criteria provided, single submitter. Criteria: Invitae Variant Classification Sherloc (09022015). Collection method: clinical testing. Allele origin: germline.
Comment: In summary, the available evidence is currently insufficient to determine the role of this variant in disease. Therefore, it has been classified as a Variant of Uncertain Significance. Variants that disrupt the consensus splice site are a relatively common cause of aberrant splicing (PMID: 17576681, 9536098). Algorithms developed to predict the effect of sequence changes on RNA splicing suggest that this variant may disrupt the consensus splice site. This variant has not been reported in the literature in individuals affected with LRBA-related conditions. This variant is not present in population databases (gnomAD no frequency). This sequence change falls in intron 43 of the LRBA gene. It does not directly change the encoded amino acid sequence of the LRBA protein. It affects a nucleotide within the consensus splice site.

Literature cited by the submitters: PubMed 17576681 (cited by Labcorp Genetics (formerly Invitae), Labcorp); PubMed 9536098 (cited by Labcorp Genetics (formerly Invitae), Labcorp).

NM_001364905.1(LRBA):c.6551+4C>G

Gene: LRBA (LPS responsive beige-like anchor protein; minus strand). Cytogenetic location: 4q31.3.
Variant type: single nucleotide variant.
Coding change: c.6551+4C>G on transcript NM_001364905.1 (MANE Select); 4 bases into the intron after coding-DNA position 6551, C replaced by G.
Molecular consequence: intron variant.
Genome position (GRCh38, 1-based): chr4:150,487,728, G>C on the plus strand (C>G on the coding strand, the complement: LRBA is on the minus strand). VCF-style: chr4-150487728-G-C. GRCh37 (hg19) VCF-style: chr4-151408880-G-C.
Other names: c.6551+4C>G (NM_001367550.1, NM_001199282.3, NM_001440431.1); c.6584+4C>G (NM_006726.5, NM_001440430.1); c.254+4C>G (NM_001440432.1); c.248+4C>G (NM_001440433.1).
Identifiers: ClinVar variation 1348471 (VCV001348471.6), dbSNP rs1758052558, ClinGen allele CA1069429871.